The following is an entry in ClinVar:

ClinVar aggregate classification (germline): Uncertain significance (1 of 4 stars; one submission).

Conditions:
Autosomal recessive spinocerebellar ataxia 12. Also called: SPINOCEREBELLAR ATAXIA WITH MENTAL RETARDATION AND EPILEPSY. Identifiers: Orphanet 284282, MedGen C3280452, MONDO:0013687, OMIM 614322.
Developmental and epileptic encephalopathy, 1 (DEE1). Also called: INFANTILE SPASM SYNDROME, X-LINKED 1; X-linked infantile spasms; West's syndrome; Tonic spasms with clustering, arrest of psychomotor development and hypsarrhythmia on EEG; X-Linked Infantile Spasm Syndrome; OHTAHARA SYNDROME, X-LINKED. Identifiers: MedGen C3463992, MONDO:0010632, OMIM 308350. Disease mechanism: loss of function.

gnomAD v4.1: 10 of 1,614,170 alleles (0.00062%); highest among the groups gnomAD compares: Non-Finnish European, 0.00085%; no homozygotes.

Submission:

Labcorp Genetics (formerly Invitae), Labcorp
Classification: Uncertain significance for Developmental and epileptic encephalopathy, 1; Autosomal recessive spinocerebellar ataxia 12. Last evaluated: 2025-01-19. Review status: criteria provided, single submitter. Criteria: Invitae Variant Classification Sherloc (09022015). Collection method: clinical testing. Allele origin: germline.
Comment: This sequence change replaces histidine, which is basic and polar, with aspartic acid, which is acidic and polar, at codon 236 of the WWOX protein (p.His236Asp). This variant is not present in population databases (gnomAD no frequency). This variant has not been reported in the literature in individuals affected with WWOX-related conditions. Invitae Evidence Modeling of protein sequence and biophysical properties (such as structural, functional, and spatial information, amino acid conservation, physicochemical variation, residue mobility, and thermodynamic stability) indicates that this missense variant is expected to disrupt WWOX protein function with a positive predictive value of 80%. In summary, the available evidence is currently insufficient to determine the role of this variant in disease. Therefore, it has been classified as a Variant of Uncertain Significance.

NM_016373.4(WWOX):c.706C>G (p.His236Asp)

Gene: WWOX (WW domain containing oxidoreductase; plus strand). Cytogenetic location: 16q23.1.
Variant type: single nucleotide variant.
Coding change: c.706C>G on transcript NM_016373.4 (MANE Select); coding-DNA position 706, C replaced by G.
Protein change: p.His236Asp; replaces histidine 236 with aspartic acid.
Molecular consequence: missense variant.
Genome position (GRCh38, 1-based): chr16:78,424,970, C>G. VCF-style: chr16-78424970-C-G. GRCh37 (hg19) VCF-style: chr16-78458867-C-G.
Other names: c.367C>G, p.His123Asp (NM_001291997.2); short protein forms H123D, H236D.
Identifiers: ClinVar variation 3758348 (VCV003758348.1).